The following is an entry in ClinVar:

NM_012200.4(B3GAT3):c.213C>T (p.Pro71=)

Gene: B3GAT3 (beta-1,3-glucuronyltransferase 3; minus strand). Cytogenetic location: 11q12.3.
Variant type: single nucleotide variant.
Coding change: c.213C>T on transcript NM_012200.4 (MANE Select); coding-DNA position 213, C replaced by T.
Protein change: p.Pro71=; no amino-acid change (proline 71 retained).
Molecular consequence: synonymous variant. On other transcripts: non-coding transcript variant (1).
Genome position (GRCh38, 1-based): chr11:62,620,541, G>A on the plus strand (C>T on the coding strand, the complement: B3GAT3 is on the minus strand). VCF-style: chr11-62620541-G-A. GRCh37 (hg19) VCF-style: chr11-62388013-G-A.
Other names: c.192C>T, p.Pro64= (NM_001288721.2); c.213C>T, p.Pro71= (NM_001288722.2, NM_001288723.2).
Identifiers: ClinVar variation 1210002 (VCV001210002.39), dbSNP rs143334227, ClinGen allele CA6050180.
Genomic context (GRCh38, chr11:62,620,541, plus strand): 5'-GCACCAGAGCCCATACCTGGCATAGGTGGGGGTAACAACATAGATAGTAGGCAGGGCCTC[G>A]GGTTCAGGGGGCTGGGCAGGGGCAGGGGGTGGCCGTCGGAGTTCCGCTTGCAGCTGGGAA-3'
Protein context (NP_036332.2, residues 61-81): PPPAPAQPPE[Pro71=]EALPTIYVVT

ClinVar aggregate classification (germline): Likely benign. Review status: criteria provided, multiple submitters, no conflicts (2 of 4 stars). 7 submissions from 7 submitters: Likely benign (4). 3 of the submissions do not count toward it. Last evaluated 2026-01-28.

Conditions:
B3GAT3-related disorder. Also called: B3GAT3-related condition.
Larsen-like syndrome, B3GAT3 type. Also called: MULTIPLE JOINT DISLOCATIONS, SHORT STATURE, AND CRANIOFACIAL DYSMORPHISM WITH OR WITHOUT CONGENITAL HEART DEFECTS; Multiple joint dislocations, short stature, craniofacial dysmorphism, with or without congenital heart defects. Identifiers: Orphanet 284139, MedGen CN034159, MONDO:0009511, OMIM 245600.

Allele frequency attached by ClinVar (database versions not stated): ESP Exome Variant Server 0.00008; gnomAD 0.00015 and 0.00017; gnomAD exomes 0.00021 and 0.00023; TOPMed 0.00026; ExAC 0.00028; 1000 Genomes Project 0.00060; 1000 Genomes Project 30x 0.00062.
gnomAD v4.1: 335 of 1,612,888 alleles (0.021%); highest among the groups gnomAD compares: Admixed American, 0.042%; no homozygotes.

Submissions (7):

Labcorp Genetics (formerly Invitae), Labcorp
Classification: Likely benign for Larsen-like syndrome, B3GAT3 type. Last evaluated: 2026-01-28. Review status: criteria provided, single submitter. Criteria: Invitae Variant Classification Sherloc (09022015). Collection method: clinical testing. Allele origin: germline.

CeGaT Center for Human Genetics Tuebingen
Classification: Likely benign. Last evaluated: 2025-02-01. Review status: criteria provided, single submitter. Criteria: CeGaT Center For Human Genetics Tuebingen Variant Classification Criteria Version 2. Collection method: clinical testing. Allele origin: germline. Affected: yes. Observed: 3 variant alleles.
Comment: B3GAT3: BP4, BP7

Blueprint Genetics
Classification: Likely benign. Last evaluated: 2024-09-21. Review status: criteria provided, single submitter. Criteria: ACMG Guidelines, 2015. Collection method: clinical testing. Allele origin: germline.

GeneDx
Classification: Likely benign. Last evaluated: 2020-07-20. Review status: criteria provided, single submitter. Criteria: GeneDx Variant Classification Process June 2021. Collection method: clinical testing. Allele origin: germline. Affected: yes.

PreventionGenetics, part of Exact Sciences
Classification: Likely benign for B3GAT3-related condition. Last evaluated: 2022-02-16. Review status: no assertion criteria provided. Collection method: clinical testing. Allele origin: germline. Not counted in ClinVar's aggregate classification.
Comment: This variant is classified as likely benign based on ACMG/AMP sequence variant interpretation guidelines (Richards et al. 2015 PMID: 25741868, with internal and published modifications).

Clinical Genetics DNA and cytogenetics Diagnostics Lab, Erasmus MC, Erasmus Medical Center
Classification: Likely benign. Review status: no assertion criteria provided. Collection method: clinical testing. Allele origin: germline. Affected: yes. Study: VKGL Data-share Consensus. Not counted in ClinVar's aggregate classification.

Genome Diagnostics Laboratory, Amsterdam University Medical Center
Classification: Likely benign. Review status: no assertion criteria provided. Collection method: clinical testing. Allele origin: germline. Affected: yes. Study: VKGL Data-share Consensus. Not counted in ClinVar's aggregate classification.